The following is an entry in ClinVar:

ClinVar aggregate classification (germline): Benign. Review status: criteria provided, multiple submitters, no conflicts (2 of 4 stars). 2 submissions from 2 submitters: Benign (2). Last evaluated 2018-01-13.

Conditions:
Fibrous dysplasia of jaw (CRBM). Also called: Cherubism. Identifiers: Orphanet 184, MedGen C0008029, MONDO:0007315, OMIM 118400.

Allele frequency attached by ClinVar (database versions not stated): 1000 Genomes Project 0.00080; 1000 Genomes Project 30x 0.00125; gnomAD 0.00305 and 0.00309; TOPMed 0.00342.

Submissions (2):

Illumina Laboratory Services, Illumina
Classification: Benign for Fibrous dysplasia of jaw. Last evaluated: 2018-01-13. Review status: criteria provided, single submitter. Criteria: ICSL Variant Classification Criteria 13 December 2019. Collection method: clinical testing. Allele origin: germline.
Comment: This variant was observed in the ICSL laboratory as part of a predisposition screen in an ostensibly healthy population. It had not been previously curated by ICSL or reported in the Human Gene Mutation Database (HGMD: prior to June 1st, 2018), and was therefore a candidate for classification through an automated scoring system. Utilizing variant allele frequency, disease prevalence and penetrance estimates, and inheritance mode, an automated score was calculated to assess if this variant is too frequent to cause the disease. Based on the score and internal cut-off values, a variant classified as benign is not then subjected to further curation. The score for this variant resulted in a classification of benign for this disease.

Breakthrough Genomics
Classification: Benign. Review status: criteria provided, single submitter. Criteria: ACMG Guidelines, 2015. Collection method: not provided. Allele origin: germline. Inheritance: Autosomal dominant inheritance. Affected: yes.

NM_001122681.2(SH3BP2):c.*5329C>A

Gene: SH3BP2 (SH3 domain binding protein 2; plus strand). Cytogenetic location: 4p16.3.
Variant type: single nucleotide variant.
Coding change: c.*5329C>A on transcript NM_001122681.2 (MANE Select); 5329 bases downstream of the stop codon, C replaced by A.
Molecular consequence: 3 prime UTR variant.
Genome position (GRCh38, 1-based): chr4:2,839,163, C>A. VCF-style: chr4-2839163-C-A. GRCh37 (hg19) VCF-style: chr4-2840890-C-A.
Other names: c.*5329C>A (LRG_1334t1, LRG_1334t2, NM_001145855.2 and 2 more transcripts).
Identifiers: ClinVar variation 348684 (VCV000348684.6), dbSNP rs183166539, ClinGen allele CA10620947.
Genomic context (GRCh38, chr4:2,839,163, plus strand): 5'-ATTTTGTCTCCTGTGAAGTGTCTATCATCTTTTGCCCATTTTTTAACTTGTTGTCTTTTT[C>A]TTTTTCTTTTCTTTTTTTTTTTTTCTGAGACAGGGTCTCACTCTGTTGCCCTGGCTGGAG-3'